The following is an entry in ClinVar:

NM_001458.5(FLNC):c.13A>G (p.Ser5Gly)

Gene: FLNC (filamin C; plus strand). Cytogenetic location: 7q32.1.
Variant type: single nucleotide variant.
Coding change: c.13A>G on transcript NM_001458.5 (MANE Select); coding-DNA position 13, A replaced by G.
Protein change: p.Ser5Gly; replaces serine 5 with glycine.
Molecular consequence: missense variant.
Genome position (GRCh38, 1-based): chr7:128,830,650, A>G. VCF-style: chr7-128830650-A-G. GRCh37 (hg19) VCF-style: chr7-128470704-A-G.
Other names: c.13A>G, p.Ser5Gly (NM_001127487.2); short protein forms S5G.
Identifiers: ClinVar variation 1490267 (VCV001490267.6), dbSNP rs2128932075, ClinGen allele CA369215389.

ClinVar aggregate classification (germline): Uncertain significance (1 of 4 stars; one submission).

Conditions:
Myofibrillar myopathy 5. Also called: FILAMINOPATHY, AUTOSOMAL DOMINANT; Filaminopathy (type). Identifiers: Orphanet 171445, MedGen C1836050, MONDO:0012289, OMIM 609524.
Distal myopathy with posterior leg and anterior hand involvement. Also called: WILLIAMS DISTAL MYOPATHY. Identifiers: Orphanet 63273, MedGen C3279722, MONDO:0013550, OMIM 614065.
Hypertrophic cardiomyopathy 26. Also called: Cardiomyopathy, familial hypertrophic, 26. Identifiers: Orphanet 75249, MedGen C4310749, MONDO:0014883, OMIM 617047.

Allele frequency attached by ClinVar (database versions not stated): gnomAD exomes below 0.00001.
gnomAD v4.1: 2 of 1,612,086 alleles (0.00012%); highest among the groups gnomAD compares: East Asian, 0.0022%; no homozygotes.

Submission:

Labcorp Genetics (formerly Invitae), Labcorp
Classification: Uncertain significance for Distal myopathy with posterior leg and anterior hand involvement; Myofibrillar myopathy 5; Hypertrophic cardiomyopathy 26. Last evaluated: 2024-02-24. Review status: criteria provided, single submitter. Criteria: Invitae Variant Classification Sherloc (09022015). Collection method: clinical testing. Allele origin: germline.
Comment: This sequence change replaces serine, which is neutral and polar, with glycine, which is neutral and non-polar, at codon 5 of the FLNC protein (p.Ser5Gly). This variant is not present in population databases (gnomAD no frequency). This variant has not been reported in the literature in individuals affected with FLNC-related conditions. ClinVar contains an entry for this variant (Variation ID: 1490267). An algorithm developed to predict the effect of missense changes on protein structure and function (PolyPhen-2) suggests that this variant is likely to be tolerated. In summary, the available evidence is currently insufficient to determine the role of this variant in disease. Therefore, it has been classified as a Variant of Uncertain Significance.